The following is an entry in ClinVar:

ClinVar aggregate classification (germline): Likely pathogenic (1 of 4 stars; one submission).

Conditions:
Hereditary spastic paraplegia 4. Also called: Spastic paraplegia 4, autosomal dominant; Familial spastic paraplegia autosomal dominant 2; Spastic Paraplegia 4. Identifiers: Orphanet 100985, MedGen C1866855, MONDO:0008438, OMIM 182601.

Submission:

Juno Genomics, Hangzhou Juno Genomics, Inc
Classification: Likely pathogenic for Hereditary spastic paraplegia 4. Review status: criteria provided, single submitter. Criteria: ACMG Guidelines, 2015. Collection method: clinical testing. Allele origin: germline.
Comment: Absent from controls (or at extremely low frequency if recessive) in Genome Aggregation Database.;Null variant in a gene where loss of function (LOF) is a known mechanism of disease.

NM_014946.4(SPAST):c.179dup (p.Phe61fs)

Gene: SPAST (spastin; plus strand). Cytogenetic location: 2p22.3.
Variant type: Duplication.
Coding change: c.179dup on transcript NM_014946.4 (MANE Select); coding-DNA position 179, one base duplicated (G; older notation c.179dupG).
Protein change: p.Phe61fs; shifts the reading frame from phenylalanine 61.
Molecular consequence: frameshift variant.
Genome position (GRCh38, 1-based): chr2:32,064,010, G duplicated; the last of 2 consecutive G bases (chr2:32,064,009-32,064,010); duplicating either gives the same sequence. VCF-style (leftmost placement, unchanged base first): chr2-32064008-A-AG. GRCh37 (hg19) VCF-style: chr2-32289077-A-AG.
Other names: c.179dup, p.Phe61fs (NM_001363823.2, NM_001363875.2, NM_001377959.1 and 1 more transcripts); short protein forms F61fs.
Identifiers: ClinVar variation 5019924 (VCV005019924.2).